The following is an entry in ClinVar:

NM_000094.4(COL7A1):c.6989G>A (p.Gly2330Asp)

Gene: COL7A1 (collagen type VII alpha 1 chain; minus strand). Cytogenetic location: 3p21.31.
Variant type: single nucleotide variant.
Coding change: c.6989G>A on transcript NM_000094.4 (MANE Select); coding-DNA position 6989, G replaced by A.
Protein change: p.Gly2330Asp; replaces glycine 2330 with aspartic acid.
Molecular consequence: missense variant.
Genome position (GRCh38, 1-based): chr3:48,572,161, C>T on the plus strand (G>A on the coding strand, the complement: COL7A1 is on the minus strand). VCF-style: chr3-48572161-C-T. GRCh37 (hg19) VCF-style: chr3-48609594-C-T.
Other names: short protein forms G2330D.
Identifiers: ClinVar variation 3339557 (VCV003339557.10), dbSNP rs757846546.
Genomic context (GRCh38, chr3:48,572,161, plus strand): 5'-CAGGCCCCAGGGCCAACCCACCTCACCTTCTCGCCTCGCGGCCCTGGCAGTCCTCGGTCA[C>T]CTTTGGCTCCCTGTTGACAGAGGTCAGGAGGCAACACAGGCATCAGTCACAGAAAGATGA-3'
Protein context (NP_000085.1, residues 2320-2340): GDLVGEPGAK[Gly2330Asp]DRGLPGPRGE

ClinVar aggregate classification (germline): Pathogenic/Likely pathogenic. Review status: criteria provided, multiple submitters, no conflicts (2 of 4 stars). 5 submissions from 5 submitters: Pathogenic (2); Likely pathogenic (3). Last evaluated 2026-01-16.

Conditions:
Nonsyndromic congenital nail disorder 8. Also called: TOENAIL DYSTROPHY, ISOLATED. Identifiers: MedGen C1843761, MONDO:0011852, OMIM 607523.
Pretibial dystrophic epidermolysis bullosa. Also called: EPIDERMOLYSIS BULLOSA DYSTROPHICA, PRETIBIAL; Pretibial epidermolysis bullosa; Pretibial blistering. Identifiers: Orphanet 79410, MedGen C0432321, MONDO:0007552, OMIM 131850, HP:0012221.
Epidermolysis bullosa dystrophica. Also called: Dystrophic epidermolysis bullosa, Hallopeau-Siemens type (formerly); Dystrophic epidermolysis bullosa. Identifiers: Orphanet 303, MedGen C0079294, MONDO:0006543.
Recessive dystrophic epidermolysis bullosa (RDEB). Also called: DYSTROPHIC EPIDERMOLYSIS BULLOSA, AUTOSOMAL RECESSIVE; EPIDERMOLYSIS BULLOSA DYSTROPHICA, HALLOPEAU-SIEMENS TYPE; Hallopeau-Siemens Disease; Epidermolysis Bullosa Distrophica Autosomal Recessive (RDEB); epidermolysis bullosa dystrophica, autosomal recessive; severe generalized recessive dystrophic epidermolysis bullosa. Identifiers: Orphanet 79408, Orphanet 79409, MedGen C0079474, MONDO:0009179, OMIM 226600.
Dominant dystrophic epidermolysis bullosa with absence of skin. Also called: EPIDERMOLYSIS BULLOSA WITH CONGENITAL LOCALIZED ABSENCE OF SKIN AND DEFORMITY OF NAILS; EPIDERMOLYSIS BULLOSA DYSTROPHICA, BART TYPE. Identifiers: MedGen C0268371, MONDO:0007557, OMIM 132000.
Generalized dominant dystrophic epidermolysis bullosa (DDEB). Also called: DDEB, generalized; DDEB-gen; DYSTROPHIC EPIDERMOLYSIS BULLOSA, AUTOSOMAL DOMINANT; Epidermolysis bullosa dystrophica, autosomal dominant; Dominant DEB (DDEB). Identifiers: Orphanet 231568, MedGen C0432322, MONDO:0007549, OMIM 131750.
Transient bullous dermolysis of the newborn (TBDN). Also called: DYSTROPHIC EPIDERMOLYSIS BULLOSA, NEONATAL; EPIDERMOLYSIS BULLOSA DYSTROPHICA, NEONATAL FORM. Identifiers: Orphanet 79411, MedGen C1851573, MONDO:0007548, OMIM 131705.
Epidermolysis bullosa pruriginosa. Also called: DEB, PRURIGINOSA; DYSTROPHIC EPIDERMOLYSIS BULLOSA PRURIGINOSA. Identifiers: Orphanet 89843, MedGen C1275114, MONDO:0011398, OMIM 604129.

gnomAD v4.1: 10 of 1,613,920 alleles (0.00062%); highest among the groups gnomAD compares: African/African-American, 0.013%; no homozygotes.

Submissions (5):

Women's Health and Genetics/Laboratory Corporation of America, LabCorp
Classification: Pathogenic for Recessive dystrophic epidermolysis bullosa. Last evaluated: 2026-01-16. Review status: criteria provided, single submitter. Criteria: LabCorp Variant Classification Summary - May 2015. Collection method: clinical testing. Allele origin: germline.
Comment: Variant summary: COL7A1 c.6989G>A (p.Gly2330Asp) results in a non-conservative amino acid change located in the collagen triple helix repeat (IPR008160) region of the encoded protein sequence. This variant disrupts the triple helix domain of COL7A1. Glycine residues within the Gly-Xaa-Yaa repeats of the triple helix domain are required for the structure and stability of fibrillar collagens (PMID: 7695699, 8218237, 19344236). Algorithms developed to predict the effect of missense changes on protein structure and function all suggest that this variant is likely to be disruptive. The variant allele was found at a frequency of 8e-06 in 251052 control chromosomes. c.6989G>A has been observed in individual(s) affected with autosomal recessive Dystrophic Epidermolysis Bullosa (Abu Sa'd_2006, internal data). These data indicate that the variant is likely to be associated with disease. To our knowledge, no experimental evidence demonstrating an impact on protein function has been reported. The following publication has been ascertained in the context of this evaluation (PMID: 16439963). ClinVar contains an entry for this variant (Variation ID: 3339557). Based on the evidence outlined above, the variant was classified as pathogenic.

Otogenetics
Classification: Likely pathogenic for Recessive dystrophic epidermolysis bullosa; Generalized dominant dystrophic epidermolysis bullosa; Dominant dystrophic epidermolysis bullosa with absence of skin; Epidermolysis bullosa pruriginosa; Pretibial dystrophic epidermolysis bullosa; Transient bullous dermolysis of the newborn; Epidermolysis bullosa dystrophica; Nonsyndromic congenital nail disorder 8. Last evaluated: 2025-12-29. Review status: criteria provided, single submitter. Criteria: ACMG Guidelines, 2015. Collection method: clinical testing. Allele origin: germline.
Comment: PM2: Maximum gnomAD MAF of 0.0134% in African (AFR) subpopulation (<0.067% threshold); PM3: Variant reported in trans with one pathogenic variant in one individual affected with dystrophic epidermolysis bullosa (PMID: 16439963); PP3: In-silico models predict deleterious effect (Revel = 0.95, BayesDel = 0.57);PP4: Variant reported in patient with highly specific phenotype for disease fitting (PMID: 37827535)

Natera, Inc.
Classification: Likely pathogenic for Dystrophic epidermolysis bullosa. Last evaluated: 2025-09-07. Review status: criteria provided, single submitter. Criteria: Natera Variant Classification Schema (03/2026). Collection method: clinical testing. Allele origin: germline.
Comment: The c.6989G>A variant in COL7A1 is a missense variant predicted to cause substitution of glycine to aspartic acid at amino acid 2330. This variant is rare in the general population with a frequency below the threshold expected for the associated phenotype(s). This variant has been observed in one or more individuals affected with the associated recessive disease, as either homozygous or compound heterozygous with a second variant (PMID: 37827535). This variant has been identified in one or more affected individual with a phenotype highly consistent with the associated gene (PMID: 37827535). Computational prediction algorithms indicate this variant is likely to affect gene or protein function. Given the available evidence, this variant is classified as Likely Pathogenic.

Labcorp Genetics (formerly Invitae), Labcorp
Classification: Pathogenic. Last evaluated: 2025-05-19. Review status: criteria provided, single submitter. Criteria: Invitae Variant Classification Sherloc (09022015). Collection method: clinical testing. Allele origin: germline.
Comment: This sequence change replaces glycine, which is neutral and non-polar, with aspartic acid, which is acidic and polar, at codon 2330 of the COL7A1 protein (p.Gly2330Asp). This variant is present in population databases (rs757846546, gnomAD 0.01%). This missense change has been observed in individual(s) with autosomal recessive dystrophic epidermolysis bullosa (PMID: 16439963; internal data). In at least one individual the data is consistent with being in trans (on the opposite chromosome) from a pathogenic variant. ClinVar contains an entry for this variant (Variation ID: 3339557). Invitae Evidence Modeling of protein sequence and biophysical properties (such as structural, functional, and spatial information, amino acid conservation, physicochemical variation, residue mobility, and thermodynamic stability) indicates that this missense variant is expected to disrupt COL7A1 protein function with a positive predictive value of 95%. This variant disrupts the triple helix domain of COL7A1. Glycine residues within the Gly-Xaa-Yaa repeats of the triple helix domain are required for the structure and stability of fibrillar collagens (PMID: 7695699, 8218237, 19344236), and variants at these glycine residues in COL7A1 are more frequently observed in individuals with disease than in the general population (PMID: 22058051). However, the clinical significance of this observation remains uncertain since only a limited number of affected individuals have been described to date. For these reasons, this variant has been classified as Pathogenic.

Fulgent Genetics
Classification: Likely pathogenic for Transient bullous dermolysis of the newborn; Generalized dominant dystrophic epidermolysis bullosa; Pretibial dystrophic epidermolysis bullosa; Dominant dystrophic epidermolysis bullosa with absence of skin; Recessive dystrophic epidermolysis bullosa; Epidermolysis bullosa pruriginosa; Nonsyndromic congenital nail disorder 8. Last evaluated: 2024-06-17. Review status: criteria provided, single submitter. Criteria: ACMG Guidelines, 2015. Collection method: clinical testing. Allele origin: germline.

Literature cited by the submitters: PubMed 16439963 (cited by 3 submitters); PubMed 37827535 (cited by Otogenetics and Natera, Inc.); PubMed 7695699 (cited by Labcorp Genetics (formerly Invitae), Labcorp); PubMed 8218237 (cited by Labcorp Genetics (formerly Invitae), Labcorp); PubMed 19344236 (cited by Labcorp Genetics (formerly Invitae), Labcorp); PubMed 22058051 (cited by Labcorp Genetics (formerly Invitae), Labcorp).